The following is an entry in ClinVar:

NM_004364.5(CEBPA):c.-90C>T

Genes: CEBPA (CCAAT enhancer binding protein alpha; minus strand), LOC130064183 (ATAC-STARR-seq lymphoblastoid silent region 10495; plus strand). Cytogenetic location: 19q13.11.
Variant type: single nucleotide variant.
Coding change: c.-90C>T on transcript NM_004364.5 (MANE Select); 90 bases upstream of the start codon, C replaced by T.
Molecular consequence: 5 prime UTR variant. On other transcripts: nonsense (1).
Genome position (GRCh38, 1-based): chr19:33,302,504, G>A on the plus strand (C>T on the coding strand, the complement: CEBPA is on the minus strand). VCF-style: chr19-33302504-G-A. GRCh37 (hg19) VCF-style: chr19-33793410-G-A.
Other names: c.-447C>T (NM_001285829.2); c.16C>T, p.Arg6Ter (NM_001287424.2); c.-132C>T (NM_001287435.2); short protein forms R6*.
Identifiers: ClinVar variation 2635075 (VCV002635075.1), dbSNP rs900736074, ClinGen allele CA307844489.

ClinVar aggregate classification (germline): Uncertain significance (1 of 4 stars; one submission).

Conditions:
CEBPA-related disorder. Also called: CEBPA-related condition.

Allele frequency attached by ClinVar (database versions not stated): gnomAD 0.00009; TOPMed 0.00009.

Submission:

PreventionGenetics, part of Exact Sciences
Classification: Uncertain significance for CEBPA-related condition. Last evaluated: 2022-10-03. Review status: criteria provided, single submitter. Criteria: ACMG Guidelines, 2015. Collection method: clinical testing. Allele origin: germline.
Comment: The CEBPA c.16C>T variant is predicted to result in premature protein termination (p.Arg6*). This variant can also be referred to as precoding variant c.-90C>T with an alternative transcript NM_004364. To our knowledge, this variant has not been reported in the literature. This variant is reported in 0.020% of alleles in individuals of European (Non-Finnish) descent in gnomAD. At this time, the clinical significance of this variant is uncertain due to the absence of conclusive functional and genetic evidence.